The following is an entry in ClinVar:

ClinVar aggregate classification (germline): Benign. Review status: criteria provided, multiple submitters, no conflicts (2 of 4 stars). 3 submissions from 3 submitters: Benign (2). 1 of the submissions does not count toward it. Last evaluated 2019-12-31.

Conditions:
SPTBN4-related disorder. Also called: SPTBN4-related condition.

Allele frequency attached by ClinVar (database versions not stated): gnomAD exomes 0.00139 and 0.00375; ExAC 0.00482; gnomAD 0.01465 and 0.01575; ESP Exome Variant Server 0.01607; 1000 Genomes Project 0.01617; 1000 Genomes Project 30x 0.01733; TOPMed 0.01734.
gnomAD v4.1: 4,315 of 1,611,470 alleles (0.27%); highest among the groups gnomAD compares: African/African-American, 5.2%; 124 homozygotes.

Submissions (3):

Labcorp Genetics (formerly Invitae), Labcorp
Classification: Benign. Last evaluated: 2019-12-31. Review status: criteria provided, single submitter. Criteria: Invitae Variant Classification Sherloc (09022015). Collection method: clinical testing. Allele origin: germline.

Breakthrough Genomics
Classification: Benign. Review status: criteria provided, single submitter. Criteria: ACMG Guidelines, 2015. Collection method: not provided. Allele origin: germline. Inheritance: Autosomal recessive inheritance. Affected: yes.

PreventionGenetics, part of Exact Sciences
Classification: Benign for SPTBN4-related condition. Last evaluated: 2019-05-20. Review status: no assertion criteria provided. Collection method: clinical testing. Allele origin: germline. Not counted in ClinVar's aggregate classification.
Comment: This variant is classified as benign based on ACMG/AMP sequence variant interpretation guidelines (Richards et al. 2015 PMID: 25741868, with internal and published modifications).

NM_020971.3(SPTBN4):c.5421G>A (p.Glu1807=)

Gene: SPTBN4 (spectrin beta, non-erythrocytic 4; plus strand). Cytogenetic location: 19q13.2.
Variant type: single nucleotide variant.
Coding change: c.5421G>A on transcript NM_020971.3 (MANE Select); coding-DNA position 5421, G replaced by A.
Protein change: p.Glu1807=; no amino-acid change (glutamic acid 1807 retained).
Molecular consequence: synonymous variant.
Genome position (GRCh38, 1-based): chr19:40,557,154, G>A. VCF-style: chr19-40557154-G-A. GRCh37 (hg19) VCF-style: chr19-41063060-G-A.
Other names: c.1449G>A, p.Glu483= (NM_025213.3).
Identifiers: ClinVar variation 768992 (VCV000768992.7), dbSNP rs1673088, ClinGen allele CA9446499.